The following is an entry in ClinVar:

ClinVar aggregate classification (germline): Uncertain significance (1 of 4 stars; one submission).

Allele frequency attached by ClinVar (database versions not stated): gnomAD exomes 0.00001; ExAC 0.00006.
gnomAD v4.1: 19 of 1,612,868 alleles (0.0012%); highest among the groups gnomAD compares: Non-Finnish European, 0.0016%; no homozygotes.

Submission:

Ambry Genetics
Classification: Uncertain significance. Last evaluated: 2024-06-11. Review status: criteria provided, single submitter. Criteria: Ambry Variant Classification Scheme 2023. Collection method: clinical testing. Allele origin: germline.
Comment: The p.W106R variant (also known as c.316T>C), located in coding exon 4 of the NQO1 gene, results from a T to C substitution at nucleotide position 316. The tryptophan at codon 106 is replaced by arginine, an amino acid with dissimilar properties. This amino acid position is conserved. In addition, this alteration is predicted to be deleterious by in silico analysis. Since supporting evidence is limited at this time, the clinical significance of this alteration remains unclear.

NM_000903.3(NQO1):c.316T>C (p.Trp106Arg)

Gene: NQO1 (NAD(P)H quinone dehydrogenase 1; minus strand). Cytogenetic location: 16q22.1.
Variant type: single nucleotide variant.
Coding change: c.316T>C on transcript NM_000903.3 (MANE Select); coding-DNA position 316, T replaced by C.
Protein change: p.Trp106Arg; replaces tryptophan 106 with arginine.
Molecular consequence: missense variant. On other transcripts: intron variant (2).
Genome position (GRCh38, 1-based): chr16:69,715,065, A>G on the plus strand (T>C on the coding strand, the complement: NQO1 is on the minus strand). VCF-style: chr16-69715065-A-G. GRCh37 (hg19) VCF-style: chr16-69748968-A-G.
Other names: c.303+3058T>C (NM_001286137.2); c.304-1936T>C (NM_001025434.2); c.316T>C, p.Trp106Arg (NM_001025433.2); short protein forms W106R.
Identifiers: ClinVar variation 1728422 (VCV001728422.3), dbSNP rs769655604, ClinGen allele CA8136247.
Genomic context (GRCh38, chr16:69,715,065, plus strand): 5'-CAAACTCTCCTATGAACACTCGCTCAAACCAGCCTTTCAGAATGGCAGGGACTCCAAACC[A>G]CTGCAGGGGGAACTGTGGGACAGAAGACATCATTGAGGTAAGACCAGGGGCTCCCCAAGC-3'
Protein context (NP_000894.1, residues 96-116): DLVIFQFPLQ[Trp106Arg]FGVPAILKGW